The following is an entry in ClinVar:

ClinVar aggregate classification (germline): Uncertain significance. Review status: criteria provided, multiple submitters, no conflicts (2 of 4 stars). 2 submissions from 2 submitters: Uncertain significance (2). Last evaluated 2024-11-18.

Conditions:
Arrhythmogenic right ventricular dysplasia 11. Also called: Arrhythmogenic Right Ventricular Dysplasia/Cardiomyopathy11; ARRHYTHMOGENIC RIGHT VENTRICULAR DYSPLASIA, FAMILIAL, 11; Arrhythmogenic right ventricular dysplasia 11 with mild palmoplantar keratoderma and woolly hair. Identifiers: MedGen C1864850, MONDO:0012506, OMIM 610476.
Cardiomyopathy (CMYO). Also called: Cardiomyopathies. Identifiers: Orphanet 167848, MedGen C0878544, MONDO:0004994, HP:0001638. Inheritance: Various modes of inheritance.

Allele frequency attached by ClinVar (database versions not stated): TOPMed below 0.00001.

Submissions (2):

Color Diagnostics, LLC DBA Color Health
Classification: Uncertain significance for Cardiomyopathy. Last evaluated: 2024-11-18. Review status: criteria provided, single submitter. Criteria: ACMG Guidelines, 2015. Collection method: clinical testing. Allele origin: germline.
Comment: This variant causes a C to T nucleotide substitution at the +4 position of intron 10/15 of the DSC2 gene. To our knowledge, functional studies have not been reported for this variant. This variant has not been reported in individuals affected with DSC2-related disorders in the literature. This variant has not been identified in the general population by the Genome Aggregation Database (gnomAD). The available evidence is insufficient to determine the role of this variant in disease conclusively. Therefore, this variant is classified as a Variant of Uncertain Significance.

Labcorp Genetics (formerly Invitae), Labcorp
Classification: Uncertain significance for Arrhythmogenic right ventricular dysplasia 11. Last evaluated: 2024-04-30. Review status: criteria provided, single submitter. Criteria: Invitae Variant Classification Sherloc (09022015). Collection method: clinical testing. Allele origin: germline.
Comment: This sequence change falls in intron 10 of the DSC2 gene. It does not directly change the encoded amino acid sequence of the DSC2 protein. It affects a nucleotide within the consensus splice site. This variant is not present in population databases (gnomAD no frequency). This variant has not been reported in the literature in individuals affected with DSC2-related conditions. ClinVar contains an entry for this variant (Variation ID: 2013939). Variants that disrupt the consensus splice site are a relatively common cause of aberrant splicing (PMID: 17576681, 9536098). Algorithms developed to predict the effect of sequence changes on RNA splicing suggest that this variant is not likely to affect RNA splicing. In summary, the available evidence is currently insufficient to determine the role of this variant in disease. Therefore, it has been classified as a Variant of Uncertain Significance.

Literature cited by the submitters: PubMed 17576681 (cited by Labcorp Genetics (formerly Invitae), Labcorp); PubMed 9536098 (cited by Labcorp Genetics (formerly Invitae), Labcorp).

NM_024422.6(DSC2):c.1520+4C>T

Gene: DSC2 (desmocollin 2; minus strand). Cytogenetic location: 18q12.1.
Variant type: single nucleotide variant.
Coding change: c.1520+4C>T on transcript NM_024422.6 (MANE Select); 4 bases into the intron after coding-DNA position 1520, C replaced by T.
Molecular consequence: intron variant.
Genome position (GRCh38, 1-based): chr18:31,080,092, G>A on the plus strand (C>T on the coding strand, the complement: DSC2 is on the minus strand). VCF-style: chr18-31080092-G-A. GRCh37 (hg19) VCF-style: chr18-28660058-G-A.
Other names: c.1520+4C>T (NM_004949.5).
Identifiers: ClinVar variation 2013939 (VCV002013939.5), dbSNP rs1987160176, ClinGen allele CA2293650916.